The following is an entry in ClinVar:

NM_006231.4(POLE):c.4100A>G (p.Tyr1367Cys)

Gene: POLE (DNA polymerase epsilon, catalytic subunit; minus strand). Cytogenetic location: 12q24.33.
Variant type: single nucleotide variant.
Coding change: c.4100A>G on transcript NM_006231.4 (MANE Select); coding-DNA position 4100, A replaced by G.
Protein change: p.Tyr1367Cys; replaces tyrosine 1367 with cysteine.
Molecular consequence: missense variant.
Genome position (GRCh38, 1-based): chr12:132,648,978, T>C on the plus strand (A>G on the coding strand, the complement: POLE is on the minus strand). VCF-style: chr12-132648978-T-C. GRCh37 (hg19) VCF-style: chr12-133225564-T-C.
Other names: c.4100A>G (NM_006231.2); short protein forms Y1367C.
Identifiers: ClinVar variation 540695 (VCV000540695.14), dbSNP rs1365073969, ClinGen allele CA387383724.
Genomic context (GRCh38, chr12:132,648,978, plus strand): 5'-CTCCTCCCTACCTTGCGATACGAAGCACCCTCCTCCGCTTTAGCGACTCGCTGGTTCACG[T>C]AGAACACACGGGGGATGCTCAGCCTGATGCAGTGCAAGTCACTGCCAACGAGCGCCCACA-3'
Protein context (NP_006222.2, residues 1357-1377): CIRLSIPRVF[Tyr1367Cys]VNQRVAKAEE

ClinVar aggregate classification (germline): Uncertain significance. Review status: criteria provided, multiple submitters, no conflicts (2 of 4 stars). 3 submissions from 3 submitters: Uncertain significance (3). Last evaluated 2025-06-03.

Conditions:
Hereditary cancer-predisposing syndrome. Also called: Neoplastic Syndromes, Hereditary; Hereditary Cancer Syndrome; Hereditary neoplastic syndrome; Tumor predisposition. Identifiers: Orphanet 140162, MedGen C0027672, MeSH D009386, MONDO:0015356.

Allele frequency attached by ClinVar (database versions not stated): gnomAD 0.00001; TOPMed 0.00002.

Submissions (3):

Labcorp Genetics (formerly Invitae), Labcorp
Classification: Uncertain significance. Last evaluated: 2025-06-03. Review status: criteria provided, single submitter. Criteria: Invitae Variant Classification Sherloc (09022015). Collection method: clinical testing. Allele origin: germline.
Comment: This sequence change replaces tyrosine, which is neutral and polar, with cysteine, which is neutral and slightly polar, at codon 1367 of the POLE protein (p.Tyr1367Cys). This variant is not present in population databases (gnomAD no frequency). This variant has not been reported in the literature in individuals affected with POLE-related conditions. ClinVar contains an entry for this variant (Variation ID: 540695). Invitae Evidence Modeling of protein sequence and biophysical properties (such as structural, functional, and spatial information, amino acid conservation, physicochemical variation, residue mobility, and thermodynamic stability) indicates that this missense variant is expected to disrupt POLE protein function with a positive predictive value of 80%. In summary, the available evidence is currently insufficient to determine the role of this variant in disease. Therefore, it has been classified as a Variant of Uncertain Significance.

Center for Genomic Medicine, Rigshospitalet, Copenhagen University Hospital
Classification: Uncertain significance. Last evaluated: 2025-03-04. Review status: criteria provided, single submitter. Criteria: ACMG Guidelines, 2015. Collection method: clinical testing. Allele origin: germline.

Ambry Genetics
Classification: Uncertain significance for Hereditary cancer-predisposing syndrome. Last evaluated: 2024-12-09. Review status: criteria provided, single submitter. Criteria: Ambry Variant Classification Scheme 2023. Collection method: clinical testing. Allele origin: germline.
Comment: The p.Y1367C variant (also known as c.4100A>G), located in coding exon 32 of the POLE gene, results from an A to G substitution at nucleotide position 4100. The tyrosine at codon 1367 is replaced by cysteine, an amino acid with highly dissimilar properties. This amino acid position is well conserved in available vertebrate species. In addition, the in silico prediction for this alteration is inconclusive. Based on the available evidence, the clinical significance of this variant remains unclear.